The following is an entry in ClinVar:

ClinVar aggregate classification (germline): Uncertain significance (1 of 4 stars; one submission).

Conditions:
Hereditary cancer-predisposing syndrome. Also called: Tumor predisposition; Hereditary Cancer Syndrome; Hereditary neoplastic syndrome; Neoplastic Syndromes, Hereditary. Identifiers: Orphanet 140162, MedGen C0027672, MeSH D009386, MONDO:0015356.

Submission:

Ambry Genetics
Classification: Uncertain significance for Hereditary cancer-predisposing syndrome. Last evaluated: 2023-07-29. Review status: criteria provided, single submitter. Criteria: Ambry Variant Classification Scheme 2023. Collection method: clinical testing. Allele origin: germline.
Comment: The p.D822N variant (also known as c.2464G>A), located in coding exon 15 of the RAD50 gene, results from a G to A substitution at nucleotide position 2464. The aspartic acid at codon 822 is replaced by asparagine, an amino acid with highly similar properties. This amino acid position is conserved. In addition, this alteration is predicted to be tolerated by in silico analysis. Since supporting evidence is limited at this time, the clinical significance of this alteration remains unclear.

NM_005732.4(RAD50):c.2464G>A (p.Asp822Asn)

Gene: RAD50 (RAD50 double strand break repair protein; plus strand). Cytogenetic location: 5q31.1.
Variant type: single nucleotide variant.
Coding change: c.2464G>A on transcript NM_005732.4 (MANE Select); coding-DNA position 2464, G replaced by A.
Protein change: p.Asp822Asn; replaces aspartic acid 822 with asparagine.
Molecular consequence: missense variant.
Genome position (GRCh38, 1-based): chr5:132,603,986, G>A. VCF-style: chr5-132603986-G-A. GRCh37 (hg19) VCF-style: chr5-131939678-G-A.
Other names: short protein forms D822N.
Identifiers: ClinVar variation 2624745 (VCV002624745.2), dbSNP rs587782501, ClinGen allele CA360955637.